The following is an entry in ClinVar:

NM_001267550.2(TTN):c.25765G>T (p.Glu8589Ter)

Gene: TTN (titin; minus strand). Cytogenetic location: 2q31.2.
Variant type: single nucleotide variant.
Coding change: c.25765G>T on transcript NM_001267550.2 (MANE Select); coding-DNA position 25765, G replaced by T.
Protein change: p.Glu8589Ter; replaces glutamic acid 8589 with a stop codon.
Molecular consequence: nonsense. On other transcripts: intron variant (3).
Genome position (GRCh38, 1-based): chr2:178,715,649, C>A on the plus strand (G>T on the coding strand, the complement: TTN is on the minus strand). VCF-style: chr2-178715649-C-A. GRCh37 (hg19) VCF-style: chr2-179580376-C-A.
Other names: c.24814G>T, p.Glu8272Ter (NM_001256850.1); c.22033G>T, p.Glu7345Ter (NM_133378.4); c.13282+22433G>T (NM_003319.4); c.13858+22433G>T (NM_133437.4); c.13657+22433G>T (NM_133432.3); short protein forms E8589*, E7345*, E8272*.
Identifiers: ClinVar variation 2093844 (VCV002093844.4), dbSNP rs2529117612, ClinGen allele CA349479362.

ClinVar aggregate classification (germline): Likely pathogenic (1 of 4 stars; one submission).

Conditions:
Autosomal recessive limb-girdle muscular dystrophy type 2J (LGMDR10). Also called: Limb-girdle muscular dystrophy, type 2J; MUSCULAR DYSTROPHY, LIMB-GIRDLE, AUTOSOMAL RECESSIVE 10. Identifiers: Orphanet 140922, MedGen C1837342, MONDO:0012127, OMIM 608807.
Dilated cardiomyopathy 1G (CMD1G). Identifiers: Orphanet 154, MedGen C1858763, MONDO:0011400, OMIM 604145.

Submission:

Labcorp Genetics (formerly Invitae), Labcorp
Classification: Likely pathogenic for Dilated cardiomyopathy 1G; Autosomal recessive limb-girdle muscular dystrophy type 2J. Last evaluated: 2024-10-18. Review status: criteria provided, single submitter. Criteria: Invitae Variant Classification Sherloc (09022015). Collection method: clinical testing. Allele origin: germline.
Comment: This sequence change creates a premature translational stop signal (p.Glu8589*) in the TTN gene. While this is not anticipated to result in nonsense mediated decay, it is expected to create a truncated TTN protein. This variant is not present in population databases (gnomAD no frequency). This variant has not been reported in the literature in individuals affected with TTN-related conditions. ClinVar contains an entry for this variant (Variation ID: 2093844). Algorithms developed to predict the effect of sequence changes on RNA splicing suggest that this variant may disrupt the consensus splice site. This variant is located in the I band of TTN (PMID: 25589632). Truncating variants in this region have been reported in individuals affected with autosomal recessive centronuclear myopathy (PMID: 23975875, internal data). Truncating variants in this region have also been identified in individuals affected with autosomal dominant dilated cardiomyopathy and/or cardio-related conditions (PMID: 27869827, 32964742, internal data). In summary, the currently available evidence indicates that the variant is pathogenic, but additional data are needed to prove that conclusively. Therefore, this variant has been classified as Likely Pathogenic.

Literature cited by the submitters: PubMed 25589632; PubMed 23975875; PubMed 27869827; PubMed 32964742.